The following is an entry in ClinVar:

NM_005982.4(SIX1):c.407G>C (p.Arg136Thr)

Gene: SIX1 (SIX homeobox 1; minus strand). Cytogenetic location: 14q23.1.
Variant type: single nucleotide variant.
Coding change: c.407G>C on transcript NM_005982.4 (MANE Select); coding-DNA position 407, G replaced by C.
Protein change: p.Arg136Thr; replaces arginine 136 with threonine.
Molecular consequence: missense variant.
Genome position (GRCh38, 1-based): chr14:60,648,783, C>G on the plus strand (G>C on the coding strand, the complement: SIX1 is on the minus strand). VCF-style: chr14-60648783-C-G. GRCh37 (hg19) VCF-style: chr14-61115501-C-G.
Other names: c.407G>C, p.Arg136Thr (NM_001425142.1); short protein forms R136T.
Identifiers: ClinVar variation 3369119 (VCV003369119.1).
Genomic context (GRCh38, chr14:60,648,783, plus strand): 5'-TCCCGCTTCTCACGCGGCGATGGGTAGGGATTGTGCGCGTACCACTCCCGCAGGACACCC[C>G]TCGACTTCTCCTTGAAGCAGTAGCTGGTCTCCTCGCCGTCCCAGATGGTGCGCGGCAGTG-3'
Protein context (NP_005973.1, residues 126-146): ETSYCFKEKS[Arg136Thr]GVLREWYAHN

ClinVar aggregate classification (germline): Uncertain significance (1 of 4 stars; one submission).

Submission:

GeneDx
Classification: Uncertain significance. Last evaluated: 2024-02-22. Review status: criteria provided, single submitter. Criteria: GeneDx Variant Classification Process June 2021. Collection method: clinical testing. Allele origin: germline. Affected: yes.
Comment: Not observed at significant frequency in large population cohorts (gnomAD); In silico analysis supports that this missense variant has a deleterious effect on protein structure/function; Has not been previously published as pathogenic or benign to our knowledge